The following is an entry in ClinVar:

NM_001330288.2(SMARCC2):c.1022A>T (p.Lys341Met)

Gene: SMARCC2 (SWI/SNF related BAF chromatin remodeling complex subunit C2; minus strand). Cytogenetic location: 12q13.2.
Variant type: single nucleotide variant.
Coding change: c.1022A>T on transcript NM_001330288.2 (MANE Select); coding-DNA position 1022, A replaced by T.
Protein change: p.Lys341Met; replaces lysine 341 with methionine.
Molecular consequence: missense variant.
Genome position (GRCh38, 1-based): chr12:56,181,036, T>A on the plus strand (A>T on the coding strand, the complement: SMARCC2 is on the minus strand). VCF-style: chr12-56181036-T-A. GRCh37 (hg19) VCF-style: chr12-56574820-T-A.
Other names: c.1022A>T, p.Lys341Met (NM_001130420.3, NM_003075.5, NM_139067.4); short protein forms K341M.
Identifiers: ClinVar variation 3381721 (VCV003381721.2).

ClinVar aggregate classification (germline): Uncertain significance (1 of 4 stars; one submission).

gnomAD v4.1: 1 of 1,613,782 alleles (0.000062%); no homozygotes.

Submission:

GeneDx
Classification: Uncertain significance. Last evaluated: 2026-09-07. Review status: criteria provided, single submitter. Criteria: GeneDx Variant Classification Process June 2021. Collection method: clinical testing. Allele origin: germline.
Comment: Not observed at significant frequency in large population cohorts (gnomAD); In silico analysis supports that this missense variant has a deleterious effect on protein structure/function; Has not been previously published as pathogenic or benign to our knowledge